The following is an entry in ClinVar:

NM_000152.5(GAA):c.99T>C (p.His33=)

Gene: GAA (alpha glucosidase; plus strand). Cytogenetic location: 17q25.3.
Variant type: single nucleotide variant.
Coding change: c.99T>C on transcript NM_000152.5 (MANE Select); coding-DNA position 99, T replaced by C.
Protein change: p.His33=; no amino-acid change (histidine 33 retained).
Molecular consequence: synonymous variant.
Genome position (GRCh38, 1-based): chr17:80,104,685, T>C. VCF-style: chr17-80104685-T-C. GRCh37 (hg19) VCF-style: chr17-78078484-T-C.
Other names: c.99T>C, p.His33= (NM_001079803.3, NM_001079804.3); c.99T>C (NM_000152.3).
Identifiers: ClinVar variation 1652835 (VCV001652835.10), dbSNP rs144736309, ClinGen allele CA8814787.

ClinVar aggregate classification (germline): Likely benign. Review status: criteria provided, multiple submitters, no conflicts (2 of 4 stars). 3 submissions from 3 submitters: Likely benign (3). Last evaluated 2026-07-01.

Conditions:
Glycogen storage disease, type II (IOPD). Also called: CARDIOMEGALIA GLYCOGENICA DIFFUSA; GLYCOGENOSIS, GENERALIZED, CARDIAC FORM; GSD II; Glycogen storage disease type 2; Acid maltase deficiency disease; Aglucosidase alfa. Identifiers: Orphanet 365, MedGen C0017921, MONDO:0009290, OMIM 232300.
Cardiovascular phenotype. Identifiers: MedGen CN230736.

Allele frequency attached by ClinVar (database versions not stated): gnomAD 0.00001; gnomAD exomes 0.00001; ExAC 0.00002; ESP Exome Variant Server 0.00008.
gnomAD v4.1: 6 of 1,613,144 alleles (0.00037%); highest among the groups gnomAD compares: Middle Eastern, 0.016%; no homozygotes.

Submissions (3):

Genomenon, Inc
Classification: Likely benign for Glycogen storage disease, type II. Last evaluated: 2026-07-01. Review status: criteria provided, single submitter. Criteria: Genomenon Sequence Variant Interpretation Standards - Updated. Collection method: curation. Allele origin: germline. Affected: no.
Comment: GAA c.99T>C is a synonymous variant that retains Histidine at codon 33. This variant has been reported in the published literature (PMID:29149851). It is absent or not present at a significant frequency in gnomAD. This variant is not predicted to impact splicing. In conclusion, we classify GAA c.99T>C (p.His33=) as a likely benign variant.

Labcorp Genetics (formerly Invitae), Labcorp
Classification: Likely benign for Glycogen storage disease, type II. Last evaluated: 2025-08-18. Review status: criteria provided, single submitter. Criteria: Invitae Variant Classification Sherloc (09022015). Collection method: clinical testing. Allele origin: germline.

Ambry Genetics
Classification: Likely benign for Cardiovascular phenotype. Last evaluated: 2024-03-02. Review status: criteria provided, single submitter. Criteria: Ambry Variant Classification Scheme 2023. Collection method: clinical testing. Allele origin: germline.

Literature cited by the submitters: PubMed 29149851 (cited by Genomenon, Inc).